The following is an entry in ClinVar:

NM_000059.4(BRCA2):c.7638_7647del (p.Ser2546_Lys2547insTer)

Gene: BRCA2 (BRCA2 DNA repair associated; plus strand). Cytogenetic location: 13q13.1.
Variant type: Deletion.
Coding change: c.7638_7647del on transcript NM_000059.4 (MANE Select); coding-DNA positions 7638 to 7647, 10 bases deleted (TAAACATTGC; older notation c.7638_7647delTAAACATTGC).
Protein change: p.Ser2546_Lys2547insTer.
Molecular consequence: frameshift variant.
Genome position (GRCh38, 1-based): chr13:32,357,762-32,357,771, TAAACATTGC deleted; deleting any 10 consecutive bases within chr13:32,357,761-32,357,771 gives the same sequence; the c. name uses the placement nearest the transcript's 3' end. VCF-style (leftmost placement, unchanged base first): chr13-32357760-TCTAAACATTG-T. GRCh37 (hg19) VCF-style: chr13-32931897-TCTAAACATTG-T.
Other names: 7866del10-ter2547.
Identifiers: ClinVar variation 267027 (VCV000267027.5), dbSNP rs886040723, ClinGen allele CA10589443.

ClinVar aggregate classification (germline): Pathogenic. Review status: reviewed by expert panel (3 of 4 stars). 2 submissions from 2 submitters: Pathogenic (1). 1 of the submissions does not count toward it. Last evaluated 2016-10-18.

Conditions:
Breast-ovarian cancer, familial, susceptibility to, 2 (BROVCA2). Also called: BRCA2 Hereditary Breast and Ovarian Cancer. Identifiers: Orphanet 145, MedGen C2675520, MONDO:0012933, OMIM 612555. Disease mechanism: loss of function.

Submissions (2):

Evidence-based Network for the Interpretation of Germline Mutant Alleles (ENIGMA)
Classification: Pathogenic for Breast-ovarian cancer, familial, susceptibility to, 2. Last evaluated: 2016-10-18. Review status: reviewed by expert panel. Criteria: ENIGMA BRCA1/2 Classification Criteria (2015). Collection method: curation. Allele origin: germline.
Comment: Variant allele predicted to encode a truncated non-functional protein.

Consortium of Investigators of Modifiers of BRCA1/2 (CIMBA), c/o University of Cambridge
Classification: Pathogenic for Breast-ovarian cancer, familial, susceptibility to, 2. Last evaluated: 2015-10-02. Review status: criteria provided, single submitter. Criteria: CIMBA Mutation Classification guidelines May 2016. Collection method: clinical testing. Allele origin: germline. Not counted in ClinVar's aggregate classification.